The following is an entry in ClinVar:

NM_018192.4(P3H2):c.181G>C (p.Glu61Gln)

Gene: P3H2 (prolyl 3-hydroxylase 2; minus strand). Cytogenetic location: 3q28.
Variant type: single nucleotide variant.
Coding change: c.181G>C on transcript NM_018192.4 (MANE Select); coding-DNA position 181, G replaced by C.
Protein change: p.Glu61Gln; replaces glutamic acid 61 with glutamine.
Molecular consequence: missense variant. On other transcripts: intron variant (1).
Genome position (GRCh38, 1-based): chr3:190,120,551, C>G on the plus strand (G>C on the coding strand, the complement: P3H2 is on the minus strand). VCF-style: chr3-190120551-C-G. GRCh37 (hg19) VCF-style: chr3-189838340-C-G.
Other names: c.-64+1652G>C (NM_001134418.2); short protein forms E61Q.
Identifiers: ClinVar variation 1010728 (VCV001010728.5), dbSNP rs763891313, ClinGen allele CA2753413.

ClinVar aggregate classification (germline): Uncertain significance (1 of 4 stars; one submission).

Allele frequency attached by ClinVar (database versions not stated): TOPMed below 0.00001.

Submission:

Labcorp Genetics (formerly Invitae), Labcorp
Classification: Uncertain significance. Last evaluated: 2022-10-03. Review status: criteria provided, single submitter. Criteria: Invitae Variant Classification Sherloc (09022015). Collection method: clinical testing. Allele origin: germline.
Comment: This variant has not been reported in the literature in individuals affected with P3H2-related conditions. This variant is not present in population databases (gnomAD no frequency). In summary, the available evidence is currently insufficient to determine the role of this variant in disease. Therefore, it has been classified as a Variant of Uncertain Significance. Advanced modeling of protein sequence and biophysical properties (such as structural, functional, and spatial information, amino acid conservation, physicochemical variation, residue mobility, and thermodynamic stability) performed at Invitae indicates that this missense variant is not expected to disrupt P3H2 protein function. ClinVar contains an entry for this variant (Variation ID: 1010728). This sequence change replaces glutamic acid, which is acidic and polar, with glutamine, which is neutral and polar, at codon 61 of the P3H2 protein (p.Glu61Gln).